The following is an entry in ClinVar:

ClinVar aggregate classification (germline): Uncertain significance (1 of 4 stars; one submission).

Conditions:
Idiopathic Pulmonary Fibrosis. Also called: Idiopathic fibrosing alveolitis, chronic form; idiopathic fibrosing alveolitis. Identifiers: Orphanet 2032, MedGen C1800706, MeSH D054990, MONDO:0800504.
Dyskeratosis congenita, autosomal dominant 2. Identifiers: MedGen C3151443, MONDO:0013521, OMIM 613989.

Submission:

Labcorp Genetics (formerly Invitae), Labcorp
Classification: Uncertain significance for Dyskeratosis congenita, autosomal dominant 2; Idiopathic Pulmonary Fibrosis. Last evaluated: 2024-06-29. Review status: criteria provided, single submitter. Criteria: Invitae Variant Classification Sherloc (09022015). Collection method: clinical testing. Allele origin: germline.
Comment: This sequence change replaces arginine, which is basic and polar, with serine, which is neutral and polar, at codon 301 of the TERT protein (p.Arg301Ser). This variant is not present in population databases (gnomAD no frequency). This variant has not been reported in the literature in individuals affected with TERT-related conditions. Advanced modeling of protein sequence and biophysical properties (such as structural, functional, and spatial information, amino acid conservation, physicochemical variation, residue mobility, and thermodynamic stability) performed at Invitae indicates that this missense variant is not expected to disrupt TERT protein function with a negative predictive value of 80%. In summary, the available evidence is currently insufficient to determine the role of this variant in disease. Therefore, it has been classified as a Variant of Uncertain Significance.

NM_198253.3(TERT):c.901C>A (p.Arg301Ser)

Gene: TERT (telomerase reverse transcriptase; minus strand). Cytogenetic location: 5p15.33.
Variant type: single nucleotide variant.
Coding change: c.901C>A on transcript NM_198253.3 (MANE Select); coding-DNA position 901, C replaced by A.
Protein change: p.Arg301Ser; replaces arginine 301 with serine.
Molecular consequence: missense variant. On other transcripts: non-coding transcript variant (2).
Genome position (GRCh38, 1-based): chr5:1,293,985, G>T on the plus strand (C>A on the coding strand, the complement: TERT is on the minus strand). VCF-style: chr5-1293985-G-T. GRCh37 (hg19) VCF-style: chr5-1294100-G-T.
Other names: c.901C>A, p.Arg301Ser (NM_001193376.3); short protein forms R301S.
Identifiers: ClinVar variation 3748258 (VCV003748258.2).